The following is an entry in ClinVar:

ClinVar aggregate classification (germline): Pathogenic/Likely pathogenic. Review status: criteria provided, multiple submitters, no conflicts (2 of 4 stars). 6 submissions from 6 submitters: Pathogenic (2); Likely pathogenic (3). 1 of the submissions does not count toward it. Last evaluated 2025-05-05.

Conditions:
Mucopolysaccharidosis, MPS-IV-A (MPS4A). Also called: MPS IVA; Morquio syndrome A, mild; GALACTOSAMINE-6-SULFATASE DEFICIENCY; GALNS DEFICIENCY; MORQUIO A DISEASE; Mucopolysaccharidosis type IV A. Identifiers: Orphanet 309297, Orphanet 582, MedGen C0086651, MONDO:0009659, OMIM 253000.

Allele frequency attached by ClinVar (database versions not stated): gnomAD exomes below 0.00001 and 0.00001.
gnomAD v4.1: 5 of 1,612,874 alleles (0.00031%); highest among the groups gnomAD compares: South Asian, 0.0033%; no homozygotes.

Submissions (6):

Revvity Omics, Revvity
Classification: Likely pathogenic for Mucopolysaccharidosis, MPS-IV-A. Last evaluated: 2025-05-05. Review status: criteria provided, single submitter. Criteria: ACMG Guidelines, 2015. Collection method: clinical testing. Allele origin: germline.

Genome-Nilou Lab
Classification: Likely pathogenic for Mucopolysaccharidosis, MPS-IV-A. Last evaluated: 2021-11-07. Review status: criteria provided, single submitter. Criteria: ACMG Guidelines, 2015. Collection method: clinical testing. Allele origin: germline. Affected: no.

Laboratory of Diagnosis and Therapy of Lysosomal Disorders, University of Padova
Classification: Pathogenic for Mucopolysaccharidosis, MPS-IV-A. Last evaluated: 2021-02-01. Review status: criteria provided, single submitter. Criteria: ACMG Guidelines, 2015. Collection method: curation. Allele origin: germline. Affected: yes.
Comment: In vivo functional studies supportive of a damaging effect on the gene product (low to null enzymatic activity in homozygotes; PS3_supporting); the prevalence of the variant in affected individuals is significantly increased compared with the prevalence in controls (PS4_strong); located in a mutational hot spot and/or critical and well-established functional domain without benign variation (PM1_moderate); absent from gnomAD v2.1.1 (PM2_moderate); multiple lines of computational evidence support a deleterious effect on the gene (PP3_supporting)

Foundation for Research in Genetics and Endocrinology, FRIGE's Institute of Human Genetics
Classification: Likely pathogenic for Mucopolysaccharidosis, MPS-IV-A. Review status: criteria provided, single submitter. Criteria: ACMG Guidelines, 2015. Collection method: clinical testing. Allele origin: germline. Inheritance: Autosomal recessive inheritance. Affected: yes. Observed: 1 homozygote.
Comment: A homozygous missense variation in exon 2 of the GALNS gene that results in the amino acid substitution of Arginine for Cysteine at codon 79 was detected. The observed variant c.235T>C (p.Cys79Arg) has not been reported in the 1000 genomes and ExAC databases. The in silico prediction of the variant is damaging by LRT and MutationTaster2. The reference codon is conserved across species. The allele frequency of the variant is <0.01% in gnomAD database. In summary, the variant meets our criteria to be classified as likely pathogenic.

Neuberg Centre For Genomic Medicine, NCGM
Classification: Pathogenic for Mucopolysaccharidosis, MPS-IV-A. Review status: criteria provided, single submitter. Criteria: ACMG Guidelines, 2015. Collection method: clinical testing. Allele origin: germline. Inheritance: Autosomal recessive inheritance. Affected: yes.

Kasturba Medical College, Manipal, Kasturba Medical College, Manipal, Manipal Academy of Higher Education, Manipal, India
Classification: Pathogenic for Mucopolysaccharidosis, MPS-IV-A. Review status: no assertion criteria provided. Collection method: clinical testing. Allele origin: biparental. Affected: yes. Not counted in ClinVar's aggregate classification.

Literature cited by the submitters: PubMed 25252036 (cited by Laboratory of Diagnosis and Therapy of Lysosomal Disorders, University of Padova); PubMed 31200731 (cited by Laboratory of Diagnosis and Therapy of Lysosomal Disorders, University of Padova); PubMed 34387910 (cited by Laboratory of Diagnosis and Therapy of Lysosomal Disorders, University of Padova); DOI 10.1002/ajmg.a.36735 (cited by Kasturba Medical College, Manipal, Kasturba Medical College, Manipal, Manipal Academy of Higher Education, Manipal, India).

NM_000512.5(GALNS):c.235T>C (p.Cys79Arg)

Gene: GALNS (galactosamine (N-acetyl)-6-sulfatase; minus strand). Cytogenetic location: 16q24.3.
Variant type: single nucleotide variant.
Coding change: c.235T>C on transcript NM_000512.5 (MANE Select); coding-DNA position 235, T replaced by C.
Protein change: p.Cys79Arg; replaces cysteine 79 with arginine.
Molecular consequence: missense variant. On other transcripts: intron variant (1).
Genome position (GRCh38, 1-based): chr16:88,842,715, A>G on the plus strand (T>C on the coding strand, the complement: GALNS is on the minus strand). VCF-style: chr16-88842715-A-G. GRCh37 (hg19) VCF-style: chr16-88909123-A-G.
Other names: c.253T>C, p.Cys85Arg (NM_001323544.2); c.-311-744T>C (NM_001323543.2); short protein forms C79R, C85R.
Identifiers: ClinVar variation 873059 (VCV000873059.15), dbSNP rs1478665723, ClinGen allele CA397091191.
Genomic context (GRCh38, chr16:88,842,715, plus strand): 5'-TCGGCCTGTTGGGCTCACCCCTTCCTGGGGGCGAGGGCCCCGCTGACTTACATGGCGAGC[A>G]CAGAGGGTTGGCAGAATAGAAGTTTGGGAAAAGCAGCCCTTCTGCAGCCATCCGGTCCAA-3'
Protein context (NP_000503.1, residues 69-89): FPNFYSANPL[Cys79Arg]SPSRAALLTG